The following is an entry in ClinVar:

ClinVar aggregate classification (germline): Conflicting classifications of pathogenicity. Review status: criteria provided, conflicting classifications (1 of 4 stars). 2 submissions from 2 submitters: Uncertain significance (1); Benign (1). Last evaluated 2025-02-16.

Conditions:
Primary ciliary dyskinesia 5. Also called: CILIARY DYSKINESIA, PRIMARY, 5, WITHOUT SITUS INVERSUS. Identifiers: Orphanet 244, MedGen C1837615, MONDO:0012088, OMIM 608647.

Allele frequency attached by ClinVar (database versions not stated): gnomAD 0.00737; 1000 Genomes Project 30x 0.01780; gnomAD exomes 0.03957.
gnomAD v4.1: 46,681 of 1,289,146 alleles (3.6%); highest among the groups gnomAD compares: Middle Eastern, 5.3%; no homozygotes.

Submissions (2):

Laboratory of Genetics, Children's Clinical University Hospital Latvia
Classification: Benign. Last evaluated: 2025-02-16. Review status: criteria provided, single submitter. Criteria: ACMG Guidelines, 2015. Collection method: clinical testing. Allele origin: germline. Affected: yes.

Neuberg Centre For Genomic Medicine, NCGM
Classification: Uncertain significance for Primary ciliary dyskinesia 5. Review status: criteria provided, single submitter. Criteria: ACMG Guidelines, 2015. Collection method: clinical testing. Allele origin: germline. Inheritance: Autosomal recessive inheritance. Affected: yes.
Comment: The missense variant c.12076G>Ap.Ala4026Thr in HYDIN gene has not been reported previously as a pathogenic variant nor as a benign variant, to our knowledge. The variant is reported with 0.01% allele frequency in gnomAD Exomes and is novel not in any individuals in 1000 Genomes. The amino acid Alanine at position 4026 is changed to a Threonine changing protein sequence and it might alter its composition and physico-chemical properties. The amino acid change p.Ala4026Thr in HYDIN is predicted as conserved by GERP++ and PhyloP across 100 vertebrates. For these reasons, this variant has been classified as Uncertain Significance.

NM_001270974.2(HYDIN):c.12076G>A (p.Ala4026Thr)

Gene: HYDIN (HYDIN axonemal central pair apparatus protein; minus strand). Cytogenetic location: 16q22.2.
Variant type: single nucleotide variant.
Coding change: c.12076G>A on transcript NM_001270974.2 (MANE Select); coding-DNA position 12076, G replaced by A.
Protein change: p.Ala4026Thr; replaces alanine 4026 with threonine.
Molecular consequence: missense variant.
Genome position (GRCh38, 1-based): chr16:70,860,121, C>T on the plus strand (G>A on the coding strand, the complement: HYDIN is on the minus strand). VCF-style: chr16-70860121-C-T. GRCh37 (hg19) VCF-style: chr16-70894024-C-T.
Other names: short protein forms A4026T.
Identifiers: ClinVar variation 2671703 (VCV002671703.4), dbSNP rs11075798, ClinGen allele CA283511573.